The following is an entry in ClinVar:

NM_000455.5(STK11):c.122del (p.Lys41fs)

Gene: STK11 (serine/threonine kinase 11; plus strand). Cytogenetic location: 19p13.3.
Variant type: Deletion.
Coding change: c.122del on transcript NM_000455.5 (MANE Select); coding-DNA position 122, one base deleted (A; older notation c.122delA).
Protein change: p.Lys41fs; shifts the reading frame from lysine 41.
Molecular consequence: frameshift variant. On other transcripts: non-coding transcript variant (1).
Genome position (GRCh38, 1-based): chr19:1,207,035, A deleted; the last of 2 consecutive A bases (chr19:1,207,034-1,207,035); deleting either gives the same sequence. VCF-style (leftmost placement, unchanged base first): chr19-1207033-CA-C. GRCh37 (hg19) VCF-style: chr19-1207032-CA-C.
Other names: c.122del, p.Lys41fs (NM_001407255.1); short protein forms K41fs.
Identifiers: ClinVar variation 3652470 (VCV003652470.2).

ClinVar aggregate classification (germline): Pathogenic (1 of 4 stars; one submission).

Conditions:
Peutz-Jeghers syndrome (PJS). Also called: POLYPOSIS, HAMARTOMATOUS INTESTINAL; POLYPS-AND-SPOTS SYNDROME; Peutz-Jeghers polyposis; Periorificial lentiginosis syndrome. Identifiers: Orphanet 2869, MedGen C0031269, MeSH D010580, MONDO:0008280, OMIM 175200.

Submission:

Labcorp Genetics (formerly Invitae), Labcorp
Classification: Pathogenic for Peutz-Jeghers syndrome. Last evaluated: 2025-12-14. Review status: criteria provided, single submitter. Criteria: Invitae Variant Classification Sherloc (09022015). Collection method: clinical testing. Allele origin: germline.
Comment: This sequence change creates a premature translational stop signal (p.Lys41Serfs*10) in the STK11 gene. It is expected to result in an absent or disrupted protein product. Loss-of-function variants in STK11 are known to be pathogenic (PMID: 15188174, 16287113). This variant is not present in population databases (gnomAD no frequency). This variant has not been reported in the literature in individuals affected with STK11-related conditions. ClinVar contains an entry for this variant (Variation ID: 3652470). For these reasons, this variant has been classified as Pathogenic.

Literature cited by the submitters: PubMed 15188174; PubMed 16287113.